The following is an entry in ClinVar:

ClinVar aggregate classification (germline): Uncertain significance. Review status: criteria provided, multiple submitters, no conflicts (2 of 4 stars). 4 submissions from 4 submitters: Uncertain significance (4). Last evaluated 2026-01-30.

Conditions:
Complement component 5 deficiency. Also called: C5 DEFICIENCY. Identifiers: MedGen C0343047, MONDO:0012295, OMIM 609536.

Allele frequency attached by ClinVar (database versions not stated): 1000 Genomes Project 0.00020; 1000 Genomes Project 30x 0.00031; gnomAD 0.00043 and 0.00044; TOPMed 0.00046; gnomAD exomes 0.00047 and 0.00060; ExAC 0.00053; ESP Exome Variant Server 0.00062.
gnomAD v4.1: 937 of 1,614,008 alleles (0.058%); highest among the groups gnomAD compares: Non-Finnish European, 0.074%; 1 homozygote.

Submissions (4):

Women's Health and Genetics/Laboratory Corporation of America, LabCorp
Classification: Uncertain significance. Last evaluated: 2026-01-30. Review status: criteria provided, single submitter. Criteria: LabCorp Variant Classification Summary - May 2015. Collection method: clinical testing. Allele origin: germline.
Comment: Variant summary: C5 c.4204A>G (p.Ile1402Val) results in a conservative amino acid change in the encoded protein sequence. Algorithms developed to predict the effect of missense changes on protein structure and function all suggest that this variant is likely to be tolerated. The variant allele was found at a frequency of 0.00047 in 251362 control chromosomes. This frequency is not significantly higher than estimated for disease-causing variants in C5, allowing no conclusion about variant significance. To our knowledge, no occurrence of c.4204A>G in individuals affected with C5-related conditions and no experimental evidence demonstrating its impact on protein function have been reported. ClinVar contains an entry for this variant (Variation ID: 1006498). Based on the evidence outlined above, the variant was classified as uncertain significance.

Ambry Genetics
Classification: Uncertain significance. Last evaluated: 2024-04-30. Review status: criteria provided, single submitter. Criteria: Ambry Variant Classification Scheme 2023. Collection method: clinical testing. Allele origin: germline.

Labcorp Genetics (formerly Invitae), Labcorp
Classification: Uncertain significance. Last evaluated: 2022-10-10. Review status: criteria provided, single submitter. Criteria: Invitae Variant Classification Sherloc (09022015). Collection method: clinical testing. Allele origin: germline.
Comment: This sequence change replaces isoleucine, which is neutral and non-polar, with valine, which is neutral and non-polar, at codon 1402 of the C5 protein (p.Ile1402Val). This variant is present in population databases (rs142459293, gnomAD 0.09%), and has an allele count higher than expected for a pathogenic variant. This variant has not been reported in the literature in individuals affected with C5-related conditions. ClinVar contains an entry for this variant (Variation ID: 1006498). Advanced modeling of protein sequence and biophysical properties (such as structural, functional, and spatial information, amino acid conservation, physicochemical variation, residue mobility, and thermodynamic stability) performed at Invitae indicates that this missense variant is not expected to disrupt C5 protein function. In summary, the available evidence is currently insufficient to determine the role of this variant in disease. Therefore, it has been classified as a Variant of Uncertain Significance.

Department of Pathology and Laboratory Medicine, Sinai Health System
Classification: Uncertain significance for complement component 5 deficiency. Last evaluated: 2020-08-10. Review status: criteria provided, single submitter. Criteria: ACMG Guidelines, 2015. Collection method: research. Allele origin: germline.

NM_001735.3(C5):c.4204A>G (p.Ile1402Val)

Gene: C5 (complement C5; minus strand). Cytogenetic location: 9q33.2.
Variant type: single nucleotide variant.
Coding change: c.4204A>G on transcript NM_001735.3 (MANE Select); coding-DNA position 4204, A replaced by G.
Protein change: p.Ile1402Val; replaces isoleucine 1402 with valine.
Molecular consequence: missense variant.
Genome position (GRCh38, 1-based): chr9:120,969,077, T>C on the plus strand (A>G on the coding strand, the complement: C5 is on the minus strand). VCF-style: chr9-120969077-T-C. GRCh37 (hg19) VCF-style: chr9-123731355-T-C.
Other names: c.4222A>G, p.Ile1408Val (NM_001317163.2); c.4204A>G (NM_001735.2); short protein forms I1402V, I1408V.
Identifiers: ClinVar variation 1006498 (VCV001006498.10), dbSNP rs142459293, ClinGen allele CA5217253.